The following is an entry in ClinVar:

NM_012295.4(CABIN1):c.2518C>G (p.Pro840Ala)

Gene: CABIN1 (calcineurin binding protein 1; plus strand). Cytogenetic location: 22q11.23.
Variant type: single nucleotide variant.
Coding change: c.2518C>G on transcript NM_012295.4 (MANE Select); coding-DNA position 2518, C replaced by G.
Protein change: p.Pro840Ala; replaces proline 840 with alanine.
Molecular consequence: missense variant.
Genome position (GRCh38, 1-based): chr22:24,072,396, C>G. VCF-style: chr22-24072396-C-G. GRCh37 (hg19) VCF-style: chr22-24468346-C-G.
Other names: c.2518C>G, p.Pro840Ala (NM_001199281.1); c.2368C>G, p.Pro790Ala (NM_001201429.2); short protein forms P790A, P840A.
Identifiers: ClinVar variation 788751 (VCV000788751.6), dbSNP rs34626155, ClinGen allele CA10148911.

ClinVar aggregate classification (germline): Likely benign. Review status: criteria provided, multiple submitters, no conflicts (2 of 4 stars). 3 submissions from 3 submitters: Likely benign (2). 1 of the submissions does not count toward it. Last evaluated 2018-03-29.

Conditions:
CABIN1-related disorder. Also called: CABIN1-related condition.

Allele frequency attached by ClinVar (database versions not stated): ESP Exome Variant Server 0.00185; ExAC 0.00187; gnomAD exomes 0.00226; gnomAD 0.00267 and 0.00272; TOPMed 0.00298; 1000 Genomes Project 0.00319; 1000 Genomes Project 30x 0.00344.
gnomAD v4.1: 2,611 of 1,614,170 alleles (0.16%); highest among the groups gnomAD compares: Middle Eastern, 1.3%; 8 homozygotes.

Submissions (3):

Labcorp Genetics (formerly Invitae), Labcorp
Classification: Likely benign. Last evaluated: 2018-03-29. Review status: criteria provided, single submitter. Criteria: Invitae Variant Classification Sherloc (09022015). Collection method: clinical testing. Allele origin: germline.

Breakthrough Genomics
Classification: Likely benign. Review status: criteria provided, single submitter. Criteria: ACMG Guidelines, 2015. Collection method: not provided. Allele origin: germline. Inheritance: Unknown mechanism. Affected: yes.

PreventionGenetics, part of Exact Sciences
Classification: Likely benign for CABIN1-related condition. Last evaluated: 2019-02-21. Review status: no assertion criteria provided. Collection method: clinical testing. Allele origin: germline. Not counted in ClinVar's aggregate classification.
Comment: This variant is classified as likely benign based on ACMG/AMP sequence variant interpretation guidelines (Richards et al. 2015 PMID: 25741868, with internal and published modifications).